The following is an entry in ClinVar:

ClinVar aggregate classification (germline): Uncertain significance (1 of 4 stars; one submission).

Allele frequency attached by ClinVar (database versions not stated): gnomAD 0.00001; ExAC 0.00002; TOPMed 0.00002; gnomAD exomes 0.00003; ESP Exome Variant Server 0.00008.
gnomAD v4.1: 53 of 1,614,086 alleles (0.0033%); highest among the groups gnomAD compares: Non-Finnish European, 0.0042%; no homozygotes.

Submission:

Labcorp Genetics (formerly Invitae), Labcorp
Classification: Uncertain significance. Last evaluated: 2022-05-21. Review status: criteria provided, single submitter. Criteria: Invitae Variant Classification Sherloc (09022015). Collection method: clinical testing. Allele origin: germline.
Comment: This variant is present in population databases (rs368389857, gnomAD 0.003%). In summary, the available evidence is currently insufficient to determine the role of this variant in disease. Therefore, it has been classified as a Variant of Uncertain Significance. Algorithms developed to predict the effect of missense changes on protein structure and function are either unavailable or do not agree on the potential impact of this missense change (SIFT: "Not Available"; PolyPhen-2: "Benign"; Align-GVGD: "Not Available"). This variant has not been reported in the literature in individuals affected with COLGALT1-related conditions. This sequence change replaces arginine, which is basic and polar, with glutamine, which is neutral and polar, at codon 243 of the COLGALT1 protein (p.Arg243Gln).

NM_024656.4(COLGALT1):c.728G>A (p.Arg243Gln)

Gene: COLGALT1 (collagen beta(1-O)galactosyltransferase 1; plus strand). Cytogenetic location: 19p13.11.
Variant type: single nucleotide variant.
Coding change: c.728G>A on transcript NM_024656.4 (MANE Select); coding-DNA position 728, G replaced by A.
Protein change: p.Arg243Gln; replaces arginine 243 with glutamine.
Molecular consequence: missense variant.
Genome position (GRCh38, 1-based): chr19:17,568,612, G>A. VCF-style: chr19-17568612-G-A. GRCh37 (hg19) VCF-style: chr19-17679421-G-A.
Other names: short protein forms R243Q.
Identifiers: ClinVar variation 2073461 (VCV002073461.4), dbSNP rs368389857, ClinGen allele CA9297020.